The following is an entry in ClinVar:

ClinVar aggregate classification (germline): Likely benign. Review status: criteria provided, multiple submitters, no conflicts (2 of 4 stars). 4 submissions from 4 submitters: Likely benign (4). Last evaluated 2025-06-01.

Conditions:
Hereditary cancer-predisposing syndrome. Also called: Neoplastic Syndromes, Hereditary; Hereditary Cancer Syndrome; Hereditary neoplastic syndrome; Tumor predisposition. Identifiers: Orphanet 140162, MedGen C0027672, MeSH D009386, MONDO:0015356.
Peutz-Jeghers syndrome (PJS). Also called: Peutz-Jeghers polyposis; Periorificial lentiginosis syndrome; POLYPOSIS, HAMARTOMATOUS INTESTINAL; POLYPS-AND-SPOTS SYNDROME. Identifiers: Orphanet 2869, MedGen C0031269, MeSH D010580, MONDO:0008280, OMIM 175200.

Allele frequency attached by ClinVar (database versions not stated): TOPMed 0.00004.
gnomAD v4.1: 2 of 1,598,454 alleles (0.00013%); highest among the groups gnomAD compares: African/African-American, 0.0027%; no homozygotes.

Submissions (4):

Labcorp Genetics (formerly Invitae), Labcorp
Classification: Likely benign for Peutz-Jeghers syndrome. Last evaluated: 2025-06-01. Review status: criteria provided, single submitter. Criteria: Invitae Variant Classification Sherloc (09022015). Collection method: clinical testing. Allele origin: germline.

Myriad Genetics, Inc.
Classification: Likely benign for Peutz-Jeghers syndrome. Last evaluated: 2025-03-26. Review status: criteria provided, single submitter. Criteria: Myriad Autosomal Dominant, Autosomal Recessive and X-Linked Classification Criteria (2023). Collection method: clinical testing. Allele origin: unknown.
Comment: This variant is considered likely benign. This variant is intronic and is not expected to impact mRNA splicing.

Ambry Genetics
Classification: Likely benign for Hereditary cancer-predisposing syndrome. Last evaluated: 2023-12-06. Review status: criteria provided, single submitter. Criteria: Ambry Variant Classification Scheme 2023. Collection method: clinical testing. Allele origin: germline.

Genome-Nilou Lab
Classification: Likely benign for Peutz-Jeghers syndrome. Last evaluated: 2021-07-15. Review status: criteria provided, single submitter. Criteria: ACMG Guidelines, 2015. Collection method: clinical testing. Allele origin: germline. Affected: no.

NM_000455.5(STK11):c.465-4G>C

Gene: STK11 (serine/threonine kinase 11; plus strand). Cytogenetic location: 19p13.3.
Variant type: single nucleotide variant.
Coding change: c.465-4G>C on transcript NM_000455.5 (MANE Select); 4 bases into the intron before coding-DNA position 465, G replaced by C.
Molecular consequence: intron variant.
Genome position (GRCh38, 1-based): chr19:1,220,369, G>C. VCF-style: chr19-1220369-G-C. GRCh37 (hg19) VCF-style: chr19-1220368-G-C.
Identifiers: ClinVar variation 825073 (VCV000825073.16), dbSNP rs587780009, ClinGen allele CA631032490.